The following is an entry in ClinVar:

ClinVar aggregate classification (germline): Uncertain significance (1 of 4 stars; one submission).

Conditions:
Combined immunodeficiency due to LRBA deficiency. Also called: Common variable immunodeficiency 8, with autoimmunity. Identifiers: Orphanet 445018, MedGen C3553512, MONDO:0013863, OMIM 614700.

Allele frequency attached by ClinVar (database versions not stated): TOPMed below 0.00001.

Submission:

Labcorp Genetics (formerly Invitae), Labcorp
Classification: Uncertain significance for Combined immunodeficiency due to LRBA deficiency. Last evaluated: 2021-11-13. Review status: criteria provided, single submitter. Criteria: Invitae Variant Classification Sherloc (09022015). Collection method: clinical testing. Allele origin: germline.
Comment: This sequence change falls in intron 33 of the LRBA gene. It does not directly change the encoded amino acid sequence of the LRBA protein. It affects a nucleotide within the consensus splice site. This variant is not present in population databases (gnomAD no frequency). This variant has not been reported in the literature in individuals affected with LRBA-related conditions. Variants that disrupt the consensus splice site are a relatively common cause of aberrant splicing (PMID: 17576681, 9536098). Algorithms developed to predict the effect of sequence changes on RNA splicing suggest that this variant is not likely to affect RNA splicing. In summary, the available evidence is currently insufficient to determine the role of this variant in disease. Therefore, it has been classified as a Variant of Uncertain Significance.

Literature cited by the submitters: PubMed 17576681; PubMed 9536098.

NM_001364905.1(LRBA):c.5518+3A>G

Gene: LRBA (LPS responsive beige-like anchor protein; minus strand). Cytogenetic location: 4q31.3.
Variant type: single nucleotide variant.
Coding change: c.5518+3A>G on transcript NM_001364905.1 (MANE Select); 3 bases into the intron after coding-DNA position 5518, A replaced by G.
Molecular consequence: intron variant.
Genome position (GRCh38, 1-based): chr4:150,806,268, T>C on the plus strand (A>G on the coding strand, the complement: LRBA is on the minus strand). VCF-style: chr4-150806268-T-C. GRCh37 (hg19) VCF-style: chr4-151727420-T-C.
Other names: c.5518+3A>G (NM_001367550.1, NM_006726.5, NM_001199282.3 and 2 more transcripts).
Identifiers: ClinVar variation 1394665 (VCV001394665.6), dbSNP rs1217590050, ClinGen allele CA789069031.
Genomic context (GRCh38, chr4:150,806,268, plus strand): 5'-CCATGTAAGTTTTTAATCCTGAAATATAAATACATACAAATAAAATAAAGAAAAACCACT[T>C]ACTTGTTCCTTCTATAAGCAGTTCTTGTCCATGGCTACCCAAAAGTGTCCGAGAAAGAAA-3'